The following is an entry in ClinVar:

NM_032383.5(HPS3):c.1211G>A (p.Arg404His)

Gene: HPS3 (HPS3 biogenesis of lysosomal organelles complex 2 subunit 1; plus strand). Cytogenetic location: 3q24.
Variant type: single nucleotide variant.
Coding change: c.1211G>A on transcript NM_032383.5 (MANE Select); coding-DNA position 1211, G replaced by A.
Protein change: p.Arg404His; replaces arginine 404 with histidine.
Molecular consequence: missense variant.
Genome position (GRCh38, 1-based): chr3:149,150,646, G>A. VCF-style: chr3-149150646-G-A. GRCh37 (hg19) VCF-style: chr3-148868433-G-A.
Other names: c.716G>A, p.Arg239His (NM_001308258.2); short protein forms R239H, R404H.
Identifiers: ClinVar variation 3336489 (VCV003336489.1).
Genomic context (GRCh38, chr3:149,150,646, plus strand): 5'-TCTTCCTCCTCAGTAACAACCTGCAGTGTTTCACTGTGCGGTGCAGTGCGGCGGCAGCTC[G>A]TGAGGAGGACCCGTACATGGACACCACCCTGAAGGTAAGAACTGGCTTATGAAGATAGTG-3'
Protein context (NP_115759.2, residues 394-414): FTVRCSAAAA[Arg404His]EEDPYMDTTL

ClinVar aggregate classification (germline): Uncertain significance (1 of 4 stars; one submission).

gnomAD v4.1: 42 of 1,613,938 alleles (0.0026%); highest among the groups gnomAD compares: East Asian, 0.0045%; no homozygotes.

Submission:

Women's Health and Genetics/Laboratory Corporation of America, LabCorp
Classification: Uncertain significance. Last evaluated: 2024-05-30. Review status: criteria provided, single submitter. Criteria: LabCorp Variant Classification Summary - May 2015. Collection method: clinical testing. Allele origin: germline.
Comment: Variant summary: HPS3 c.1211G>A (p.Arg404His) results in a non-conservative amino acid change located in the BLOC-2 complex member HPS3, N-terminal domain (IPR029437) of the encoded protein sequence. Four of five in-silico tools predict a benign effect of the variant on protein function. The variant allele was found at a frequency of 1.2e-05 in 251422 control chromosomes. The available data on variant occurrences in the general population are insufficient to allow any conclusion about variant significance. To our knowledge, no occurrence of c.1211G>A in individuals affected with Hermansky-Pudlak Syndrome and no experimental evidence demonstrating its impact on protein function have been reported. No submitters have cited clinical-significance assessments for this variant to ClinVar. Based on the evidence outlined above, the variant was classified as uncertain significance.